The following is an entry in ClinVar:

ClinVar aggregate classification (germline): Uncertain significance. Review status: criteria provided, multiple submitters, no conflicts (2 of 4 stars). 2 submissions from 2 submitters: Uncertain significance (2). Last evaluated 2024-05-25.

Conditions:
Inborn genetic diseases. Identifiers: MedGen C0950123, MeSH D030342.

Allele frequency attached by ClinVar (database versions not stated): gnomAD 0.00002; TOPMed 0.00002; ExAC 0.00006.
gnomAD v4.1: 22 of 1,536,008 alleles (0.0014%); highest among the groups gnomAD compares: African/African-American, 0.0096%; no homozygotes.

Submissions (2):

Labcorp Genetics (formerly Invitae), Labcorp
Classification: Uncertain significance. Last evaluated: 2024-05-25. Review status: criteria provided, single submitter. Criteria: Invitae Variant Classification Sherloc (09022015). Collection method: clinical testing. Allele origin: germline.
Comment: This sequence change replaces aspartic acid, which is acidic and polar, with asparagine, which is neutral and polar, at codon 436 of the FAM20C protein (p.Asp436Asn). This variant is present in population databases (rs755206779, gnomAD 0.03%). This variant has not been reported in the literature in individuals affected with FAM20C-related conditions. ClinVar contains an entry for this variant (Variation ID: 1910765). Advanced modeling of protein sequence and biophysical properties (such as structural, functional, and spatial information, amino acid conservation, physicochemical variation, residue mobility, and thermodynamic stability) performed at Invitae indicates that this missense variant is not expected to disrupt FAM20C protein function with a negative predictive value of 80%. In summary, the available evidence is currently insufficient to determine the role of this variant in disease. Therefore, it has been classified as a Variant of Uncertain Significance.

Ambry Genetics
Classification: Uncertain significance for Inborn genetic diseases. Last evaluated: 2022-08-22. Review status: criteria provided, single submitter. Criteria: Ambry Variant Classification Scheme 2023. Collection method: clinical testing. Allele origin: germline.

NM_020223.4(FAM20C):c.1306G>A (p.Asp436Asn)

Gene: FAM20C (FAM20C golgi associated secretory pathway kinase; plus strand). Cytogenetic location: 7p22.3.
Variant type: single nucleotide variant.
Coding change: c.1306G>A on transcript NM_020223.4 (MANE Select); coding-DNA position 1306, G replaced by A.
Protein change: p.Asp436Asn; replaces aspartic acid 436 with asparagine.
Molecular consequence: missense variant.
Genome position (GRCh38, 1-based): chr7:256,706, G>A. VCF-style: chr7-256706-G-A. GRCh37 (hg19) VCF-style: chr7-296672-G-A.
Other names: short protein forms D436N.
Identifiers: ClinVar variation 1910765 (VCV001910765.5), dbSNP rs755206779, ClinGen allele CA4109154.